The following is an entry in ClinVar:

NM_000257.4(MYH7):c.2150A>T (p.Asp717Val)

Gene: MYH7 (myosin heavy chain 7; minus strand). Cytogenetic location: 14q11.2.
Variant type: single nucleotide variant.
Coding change: c.2150A>T on transcript NM_000257.4 (MANE Select); coding-DNA position 2150, A replaced by T.
Protein change: p.Asp717Val; replaces aspartic acid 717 with valine.
Molecular consequence: missense variant.
Genome position (GRCh38, 1-based): chr14:23,425,976, T>A on the plus strand (A>T on the coding strand, the complement: MYH7 is on the minus strand). VCF-style: chr14-23425976-T-A. GRCh37 (hg19) VCF-style: chr14-23895185-T-A.
Other names: c.2150A>T, p.Asp717Val (NM_001407004.1); short protein forms D717V.
Identifiers: ClinVar variation 2699911 (VCV002699911.3), dbSNP rs2502289272, ClinGen allele CA389049025.
Genomic context (GRCh38, chr14:23,425,976, plus strand): 5'-AGCCTGGCTCCCCCTGTTCTATGAGCTCTGGTGCACCCTCATACCCACCTCTGCCGGAAG[T>A]CCCCGTAGAGGATGCGGTTGGGGAAGCCTTTCCTGCAGATGCGGATGCCCTCCAGCACAC-3'
Protein context (NP_000248.2, residues 707-727): KGFPNRILYG[Asp717Val]FRQRYRILNP

ClinVar aggregate classification (germline): Likely pathogenic (1 of 4 stars; one submission).

Conditions:
Hypertrophic cardiomyopathy. Also called: HYPERTROPHIC MYOCARDIOPATHY. Identifiers: Orphanet 217569, MedGen C0007194, MeSH D002312, MONDO:0005045, HP:0001639.

Submission:

Labcorp Genetics (formerly Invitae), Labcorp
Classification: Likely pathogenic for Hypertrophic cardiomyopathy. Last evaluated: 2023-12-01. Review status: criteria provided, single submitter. Criteria: Invitae Variant Classification Sherloc (09022015). Collection method: clinical testing. Allele origin: germline.
Comment: This sequence change replaces aspartic acid, which is acidic and polar, with valine, which is neutral and non-polar, at codon 717 of the MYH7 protein (p.Asp717Val). This variant is not present in population databases (gnomAD no frequency). This missense change has been observed in individual(s) with clinical features of autosomal dominant MYH7-related conditions (Invitae). Advanced modeling of protein sequence and biophysical properties (such as structural, functional, and spatial information, amino acid conservation, physicochemical variation, residue mobility, and thermodynamic stability) performed at Invitae indicates that this missense variant is expected to disrupt MYH7 protein function with a positive predictive value of 95%. This variant disrupts the p.Asp717 amino acid residue in MYH7. Other variant(s) that disrupt this residue have been determined to be pathogenic (PMID: 25558701). This suggests that this residue is clinically significant, and that variants that disrupt this residue are likely to be disease-causing. In summary, the currently available evidence indicates that the variant is pathogenic, but additional data are needed to prove that conclusively. Therefore, this variant has been classified as Likely Pathogenic.

Literature cited by the submitters: PubMed 25558701.